The following is an entry in ClinVar:

ClinVar aggregate classification (germline): Uncertain significance. Review status: criteria provided, multiple submitters, no conflicts (2 of 4 stars). 2 submissions from 2 submitters: Uncertain significance (2). Last evaluated 2025-10-29.

Allele frequency attached by ClinVar (database versions not stated): TOPMed 0.00001.

Submissions (2):

Women's Health and Genetics/Laboratory Corporation of America, LabCorp
Classification: Uncertain significance. Last evaluated: 2025-10-29. Review status: criteria provided, single submitter. Criteria: LabCorp Variant Classification Summary - May 2015. Collection method: clinical testing. Allele origin: germline.
Comment: Variant summary: CACNA1S c.4862T>C (p.Val1621Ala) results in a non-conservative amino acid change in the encoded protein sequence. Algorithms developed to predict the effect of missense changes on protein structure and function are either unavailable or do not agree on the potential impact of this missense change. The variant was absent in 251386 control chromosomes. The available data on variant occurrences in the general population are insufficient to allow any conclusion about variant significance. To our knowledge, no occurrence of c.4862T>C in individuals affected with CACNA1S-related conditions and no experimental evidence demonstrating its impact on protein function have been reported. ClinVar contains an entry for this variant (Variation ID: 422977). Based on the evidence outlined above, the variant was classified as uncertain significance.

GeneDx
Classification: Uncertain significance. Last evaluated: 2018-01-11. Review status: criteria provided, single submitter. Criteria: GeneDx Variant Classification (06012015). Collection method: clinical testing. Allele origin: germline. Affected: yes.
Comment: The V1621A variant has not been published as a pathogenic variant, nor has it been reported as a benign variant to our knowledge. The V1621A variant is not observed in large population cohorts (Lek et al., 2016; 1000 Genomes Consortium et al., 2015; Exome Variant Server). This variant is a conservative amino acid substitution, which is not likely to impact secondary protein structure as these residues share similar properties. This substitution occurs at a position that is not conserved, and in silico analysis predicts this variant likely does not alter the protein structure/function.

NM_000069.3(CACNA1S):c.4862T>C (p.Val1621Ala)

Gene: CACNA1S (calcium voltage-gated channel subunit alpha1 S; minus strand). Cytogenetic location: 1q32.1.
Variant type: single nucleotide variant.
Coding change: c.4862T>C on transcript NM_000069.3 (MANE Select); coding-DNA position 4862, T replaced by C.
Protein change: p.Val1621Ala; replaces valine 1621 with alanine.
Molecular consequence: missense variant.
Genome position (GRCh38, 1-based): chr1:201,043,467, A>G on the plus strand (T>C on the coding strand, the complement: CACNA1S is on the minus strand). VCF-style: chr1-201043467-A-G. GRCh37 (hg19) VCF-style: chr1-201012595-A-G.
Other names: short protein forms V1621A.
Identifiers: ClinVar variation 422977 (VCV000422977.3), dbSNP rs1064796136, ClinGen allele CA16617037.